The following is an entry in ClinVar:

ClinVar aggregate classification (germline): Uncertain significance. Review status: criteria provided, multiple submitters, no conflicts (2 of 4 stars). 3 submissions from 3 submitters: Uncertain significance (3). Last evaluated 2023-09-04.

Conditions:
Congenital dyserythropoietic anemia, type II (CDAN2). Also called: DYSERYTHROPOIETIC ANEMIA, HEMPAS TYPE. Identifiers: Orphanet 98873, MedGen C1306589, MONDO:0009134, OMIM 224100.
Hereditary ataxia. Also called: Hereditary Ataxias. Identifiers: Orphanet 183518, MedGen C0004138, MONDO:0100309, MONDO:0000557.

Allele frequency attached by ClinVar (database versions not stated): gnomAD 0.00003; TOPMed 0.00003.
gnomAD v4.1: 19 of 1,613,740 alleles (0.0012%); highest among the groups gnomAD compares: Middle Eastern, 0.033%; no homozygotes.

Submissions (3):

MVZ Medizinische Genetik Mainz
Classification: Uncertain significance for Congenital dyserythropoietic anemia, type II. Last evaluated: 2023-09-04. Review status: criteria provided, single submitter. Criteria: UK Practice Guidelines For Variant Classification V4 01 2020. Collection method: clinical testing. Allele origin: germline. Inheritance: Autosomal recessive inheritance. Affected: yes. Observed: 1 variant allele.
Comment: ACMG Criteria: PM2_SUP

Women's Health and Genetics/Laboratory Corporation of America, LabCorp
Classification: Uncertain significance. Last evaluated: 2023-08-25. Review status: criteria provided, single submitter. Criteria: LabCorp Variant Classification Summary - May 2015. Collection method: clinical testing. Allele origin: germline.
Comment: Variant summary: SEC23B c.1254T>G (p.Ile418Met) results in a conservative amino acid change located in the Sec23/Sec24 beta-sandwich (IPR12990) of the encoded protein sequence. Three of five in-silico tools predict a damaging effect of the variant on protein function. The variant allele was found at a frequency of 1.2e-05 in 251420 control chromosomes. c.1254T>G has been reported in the literature in individuals affected with Congenital dyserythropoietic anemia, type II (Russo_2010, Russo_2018, Punzo_2011) but also observed with variants in other genes in cis (Russo_2018). mRNA expression studies show decreased expression in homozygous patient cells (Punzo_2018). The following publications have been ascertained in the context of this evaluation (PMID: 22208203, 20941788, 29396846). No submitters have cited clinical-significance assessments for this variant to ClinVar after 2014. Based on the evidence outlined above, the variant was classified as VUS-possibly pathogenic.

Cambridge Genomics Laboratory, East Genomic Laboratory Hub, NHS Genomic Medicine Service
Classification: Uncertain significance for Hereditary ataxia. Last evaluated: 2019-10-29. Review status: criteria provided, single submitter. Criteria: ACGS Best Practice Guidelines for Variant Classification in Rare Disease 2020. Collection method: clinical testing. Allele origin: germline. Affected: yes. Observed: 1 variant allele.

Literature cited by the submitters: PubMed 22208203 (cited by Women's Health and Genetics/Laboratory Corporation of America, LabCorp); PubMed 20941788 (cited by Women's Health and Genetics/Laboratory Corporation of America, LabCorp); PubMed 29396846 (cited by Women's Health and Genetics/Laboratory Corporation of America, LabCorp).

NM_006363.6(SEC23B):c.1254T>G (p.Ile418Met)

Gene: SEC23B (SEC23 homolog B, COPII component; plus strand). Cytogenetic location: 20p11.23.
Variant type: single nucleotide variant.
Coding change: c.1254T>G on transcript NM_006363.6 (MANE Select); coding-DNA position 1254, T replaced by G.
Protein change: p.Ile418Met; replaces isoleucine 418 with methionine.
Molecular consequence: missense variant.
Genome position (GRCh38, 1-based): chr20:18,532,684, T>G. VCF-style: chr20-18532684-T-G. GRCh37 (hg19) VCF-style: chr20-18513328-T-G.
Other names: c.1254T>G, p.Ile418Met (NM_001172745.3, NM_032985.6, NM_032986.5); c.1200T>G, p.Ile400Met (NM_001172746.3); short protein forms I400M, I418M.
Identifiers: ClinVar variation 2581380 (VCV002581380.3), dbSNP rs772896622, ClinGen allele CA9778297.